The following is an entry in ClinVar:

NM_000217.3(KCNA1):c.596C>T (p.Thr199Met)

Gene: KCNA1 (potassium voltage-gated channel subfamily A member 1; plus strand). Cytogenetic location: 12p13.32.
Variant type: single nucleotide variant.
Coding change: c.596C>T on transcript NM_000217.3 (MANE Select); coding-DNA position 596, C replaced by T.
Protein change: p.Thr199Met; replaces threonine 199 with methionine.
Molecular consequence: missense variant.
Genome position (GRCh38, 1-based): chr12:4,911,974, C>T. VCF-style: chr12-4911974-C-T. GRCh37 (hg19) VCF-style: chr12-5021140-C-T.
Other names: short protein forms T199M.
Identifiers: ClinVar variation 835844 (VCV000835844.9), dbSNP rs1207573200, ClinGen allele CA383454915.
Genomic context (GRCh38, chr12:4,911,974, plus strand): 5'-TCTCCATCGTCATCTTTTGCCTGGAGACGCTCCCCGAGCTGAAGGATGACAAGGACTTCA[C>T]GGGCACCGTCCACCGCATCGACAACACCACGGTCATCTACAATTCCAACATCTTCACAGA-3'
Protein context (NP_000208.2, residues 189-209): LPELKDDKDF[Thr199Met]GTVHRIDNTT

ClinVar aggregate classification (germline): Uncertain significance (1 of 4 stars; one submission).

Conditions:
Episodic ataxia type 1 (EA1). Also called: ATAXIA, EPISODIC, WITH MYOKYMIA; MYOKYMIA WITH PERIODIC ATAXIA; PAROXYSMAL ATAXIA WITH NEUROMYOTONIA, HEREDITARY; Episodic ataxia/myokymia syndrome. Identifiers: Orphanet 37612, Orphanet 972, MedGen C1719788, MONDO:0008047, OMIM 160120.

Allele frequency attached by ClinVar (database versions not stated): gnomAD exomes 0.00001; TOPMed 0.00001.

Submission:

Labcorp Genetics (formerly Invitae), Labcorp
Classification: Uncertain significance for Episodic ataxia type 1. Last evaluated: 2025-07-09. Review status: criteria provided, single submitter. Criteria: Invitae Variant Classification Sherloc (09022015). Collection method: clinical testing. Allele origin: germline.
Comment: This sequence change replaces threonine, which is neutral and polar, with methionine, which is neutral and non-polar, at codon 199 of the KCNA1 protein (p.Thr199Met). This variant is present in population databases (no rsID available, gnomAD 0.003%). This variant has not been reported in the literature in individuals affected with KCNA1-related conditions. ClinVar contains an entry for this variant (Variation ID: 835844). Invitae Evidence Modeling of protein sequence and biophysical properties (such as structural, functional, and spatial information, amino acid conservation, physicochemical variation, residue mobility, and thermodynamic stability) indicates that this missense variant is not expected to disrupt KCNA1 protein function with a negative predictive value of 80%. In summary, the available evidence is currently insufficient to determine the role of this variant in disease. Therefore, it has been classified as a Variant of Uncertain Significance.